The following is an entry in ClinVar:

ClinVar aggregate classification (germline): Uncertain significance. Review status: criteria provided, multiple submitters, no conflicts (2 of 4 stars). 3 submissions from 3 submitters: Uncertain significance (2). 1 of the submissions does not count toward it. Last evaluated 2022-01-31.

Conditions:
Nemaline myopathy 2 (NEM2). Also called: Nemaline myopathy 2, autosomal recessive. Identifiers: MedGen C1850569, MONDO:0009725, OMIM 256030.

Submissions (3):

GeneDx
Classification: Uncertain significance. Last evaluated: 2022-01-31. Review status: criteria provided, single submitter. Criteria: GeneDx Variant Classification Process June 2021. Collection method: clinical testing. Allele origin: germline. Affected: yes.
Comment: Not observed at significant frequency in large population cohorts (gnomAD); In-frame deletion of 1 amino acid in a non-repeat region; In silico analysis supports a deleterious effect on protein structure/function; Has not been previously published as pathogenic or benign to our knowledge

Mayo Clinic Laboratories, Mayo Clinic
Classification: Uncertain significance. Last evaluated: 2021-11-12. Review status: criteria provided, single submitter. Criteria: ACMG Guidelines, 2015. Collection method: clinical testing. Allele origin: germline.

Counsyl
Classification: Uncertain significance for Nemaline myopathy 2. Last evaluated: 2017-08-25. Review status: no assertion criteria provided. Collection method: clinical testing. Allele origin: unknown. Not counted in ClinVar's aggregate classification.

NM_001164508.2(NEB):c.22642_22644del (p.Lys7548del)

Genes: NEB (nebulin; minus strand), RIF1 (replication timing regulatory factor 1; plus strand). Cytogenetic location: 2q23.3.
Variant type: Deletion.
Coding change: c.22642_22644del on transcript NM_001164508.2 (MANE Select); coding-DNA positions 22642 to 22644, 3 bases deleted (AAG; older notation c.22642_22644delAAG).
Protein change: p.Lys7548del; deletes lysine 7548.
Molecular consequence: inframe deletion.
Genome position (GRCh38, 1-based): chr2:151,519,016-151,519,018, CTT deleted on the plus strand (AAG on the coding strand, the reverse complement: NEB is on the minus strand); deleting any 3 consecutive bases within chr2:151,519,016-151,519,019 gives the same sequence; the c. name uses the placement nearest the transcript's 3' end. VCF-style (leftmost placement, unchanged base first): chr2-151519015-CCTT-C. GRCh37 (hg19) VCF-style: chr2-152375529-CCTT-C.
Other names: p.Lys5847del; c.22642_22644del, p.Lys7548del (NM_001164507.2); c.22747_22749del, p.Lys7583del (NM_001271208.2); c.17539_17541del, p.Lys5847del (NM_004543.5); c.22747_22749delAAG (NM_001271208.1); short protein forms K7583del, K5847del, K7548del.
Identifiers: ClinVar variation 553444 (VCV000553444.8), dbSNP rs1553629857, ClinGen allele CA645539120.
Genomic context (GRCh38, chr2:151,519,015, plus strand): 5'-CTGAGCTTACAGAACTGGCAAGTTGGCTTGTATTCAGGACATGATTCATGATCAGAGACT[CCTT>C]CATGTCAGTCACGGGTTTGTGAAGTTTCTTCAGGTCAGCCTTGTATTTAACCTGTGTGTT-3'